The following is an entry in ClinVar:

NC_000001.10:g.(?_156104174)_(156108897_?)del

Gene: LMNA (lamin A/C; plus strand). Cytogenetic location: 1q22.
Variant type: Deletion.
Identifiers: ClinVar variation 3247860 (VCV003247860.1).

ClinVar aggregate classification (germline): Pathogenic (1 of 4 stars; one submission).

Conditions:
Charcot-Marie-Tooth disease type 2. Also called: Charcot-Marie-Tooth type 2. Identifiers: Orphanet 64746, MedGen C0270914, MONDO:0018993.

Submission:

Labcorp Genetics (formerly Invitae), Labcorp
Classification: Pathogenic for Charcot-Marie-Tooth disease type 2. Last evaluated: 2023-11-01. Review status: criteria provided, single submitter. Criteria: Invitae Variant Classification Sherloc (09022015). Collection method: clinical testing. Allele origin: unknown.
Comment: This variant is a gross deletion of the genomic region encompassing exon(s) 3-12 of the LMNA gene, which includes the termination codon. This deletion extends beyond the assayed region for this gene and therefore may encompass additional genes. While this deletion is not anticipated to lead to nonsense mediated decay, it is expected to alter mRNA translation or result in a truncated protein product. A similar copy number variant has been observed in individual(s) with LMNA-related cardiac disease (PMID: 20127487). The region of the LMNA gene that includes exon(s) 3 has been determined to be clinically significant (Invitae). Therefore, deletions that encompass that region are likely to be disease-causing. For these reasons, this variant has been classified as Pathogenic.

Literature cited by the submitters: PubMed 20127487.